The following is an entry in ClinVar:

NM_001256317.3(TMPRSS3):c.310G>A (p.Glu104Lys)

Gene: TMPRSS3 (transmembrane serine protease 3; minus strand). Cytogenetic location: 21q22.3.
Variant type: single nucleotide variant.
Coding change: c.310G>A on transcript NM_001256317.3 (MANE Select); coding-DNA position 310, G replaced by A.
Protein change: p.Glu104Lys; replaces glutamic acid 104 with lysine.
Molecular consequence: missense variant. On other transcripts: 5 prime UTR variant (1).
Genome position (GRCh38, 1-based): chr21:42,388,941, C>T on the plus strand (G>A on the coding strand, the complement: TMPRSS3 is on the minus strand). VCF-style: chr21-42388941-C-T. GRCh37 (hg19) VCF-style: chr21-43809050-C-T.
Other names: c.310G>A, p.Glu104Lys (NM_024022.4, NM_032405.2); c.-72G>A (NM_032404.3); c.310G>A (NM_024022.3); short protein forms E104K.
Identifiers: ClinVar variation 504522 (VCV000504522.10), dbSNP rs373058706, ClinGen allele CA10042687.

ClinVar aggregate classification (germline): Pathogenic/Likely pathogenic. Review status: criteria provided, multiple submitters, no conflicts (2 of 4 stars). 5 submissions from 5 submitters: Pathogenic (1); Likely pathogenic (4). Last evaluated 2024-09-24.

Conditions:
Autosomal recessive nonsyndromic hearing loss 8 (DFNB8). Also called: Deafness, autosomal recessive 10; NEUROSENSORY NONSYNDROMIC RECESSIVE DEAFNESS 8. Identifiers: Orphanet 90636, MedGen C1832827, MONDO:0010987, OMIM 601072.
Rare genetic deafness. Identifiers: Orphanet 96210, MedGen C5680250.

Allele frequency attached by ClinVar (database versions not stated): ESP Exome Variant Server 0.00008; gnomAD 0.00001; gnomAD exomes 0.00001; TOPMed 0.00001; ExAC 0.00002.
gnomAD v4.1: 22 of 1,613,852 alleles (0.0014%); highest among the groups gnomAD compares: Middle Eastern, 0.017%; no homozygotes.

Submissions (5):

GeneDx
Classification: Likely pathogenic. Last evaluated: 2024-09-24. Review status: criteria provided, single submitter. Criteria: GeneDx Variant Classification Process June 2021. Collection method: clinical testing. Allele origin: germline. Affected: yes.
Comment: Reported with a second TMPRSS3 variant, phase unknown, in a patient with sensorineural non-syndromic hearing loss (PMID: 36555390); In silico analysis supports that this missense variant has a deleterious effect on protein structure/function; Not observed at significant frequency in large population cohorts (gnomAD); This variant is associated with the following publications: (PMID: 21534946, 36555390)

Fulgent Genetics
Classification: Likely pathogenic for Autosomal recessive nonsyndromic hearing loss 8. Last evaluated: 2024-02-07. Review status: criteria provided, single submitter. Criteria: ACMG Guidelines, 2015. Collection method: clinical testing. Allele origin: germline.

Clinical Genetics Laboratory, Skane University Hospital Lund
Classification: Likely pathogenic. Last evaluated: 2023-02-17. Review status: criteria provided, single submitter. Criteria: ACMG Guidelines, 2015. Collection method: clinical testing. Allele origin: germline. Affected: yes.

The Shared Resource Centre "Genome", Research Centre for Medical Genetics
Classification: Pathogenic for Autosomal recessive nonsyndromic hearing loss 8. Last evaluated: 2022-11-10. Review status: criteria provided, single submitter. Criteria: ACMG Guidelines, 2015. Collection method: clinical testing. Allele origin: germline. Affected: yes. Observed: 1 variant allele.

Laboratory for Molecular Medicine, Mass General Brigham Personalized Medicine
Classification: Likely pathogenic for Rare genetic deafness. Last evaluated: 2016-05-02. Review status: criteria provided, single submitter. Criteria: LMM Criteria. Collection method: clinical testing. Allele origin: germline. Inheritance: Autosomal recessive inheritance. Observed: 1 variant allele.
Comment: This variant has been identified i n 2/66672 of European chromosomes by the Exome Aggregation Consortium (ExAC; dbSNP rs373058706); however, its frequency is low e nough to be consistent with a recessive carrier frequency. In summary, although additional studies are required to fully establish its clinical significance, t his variant is likely pathogenic for autosomal recessive nonsyndromic hearing lo ss.

Literature cited by the submitters: PubMed 21534946 (cited by Laboratory for Molecular Medicine, Mass General Brigham Personalized Medicine).